The following is an entry in ClinVar:

NM_001130004.2(ACTN1):c.1025A>C (p.Gln342Pro)

Gene: ACTN1 (actinin alpha 1; minus strand). Cytogenetic location: 14q24.1.
Variant type: single nucleotide variant.
Coding change: c.1025A>C on transcript NM_001130004.2 (MANE Select); coding-DNA position 1025, A replaced by C.
Protein change: p.Gln342Pro; replaces glutamine 342 with proline.
Molecular consequence: missense variant.
Genome position (GRCh38, 1-based): chr14:68,892,114, T>G on the plus strand (A>C on the coding strand, the complement: ACTN1 is on the minus strand). VCF-style: chr14-68892114-T-G. GRCh37 (hg19) VCF-style: chr14-69358831-T-G.
Other names: c.1025A>C, p.Gln342Pro (NM_001102.4, NM_001130005.2, NM_001411035.1 and 9 more transcripts); c.830A>C, p.Gln277Pro (NM_001411036.1, NM_001424026.1, NM_001424028.1); c.1151A>C, p.Gln384Pro (NM_001424013.1); c.1112A>C, p.Gln371Pro (NM_001424015.1); c.1022A>C, p.Gln341Pro (NM_001424017.1); c.962A>C, p.Gln321Pro (NM_001424018.1, NM_001424020.1, NM_001424022.1); c.956A>C, p.Gln319Pro (NM_001424021.1); c.200A>C, p.Gln67Pro (NM_001424030.1); short protein forms Q277P, Q319P, Q321P, Q384P, Q341P, Q67P, Q371P, Q342P.
Identifiers: ClinVar variation 4740712 (VCV004740712.1).

ClinVar aggregate classification (germline): Uncertain significance (1 of 4 stars; one submission).

Submission:

Labcorp Genetics (formerly Invitae), Labcorp
Classification: Uncertain significance. Last evaluated: 2025-04-14. Review status: criteria provided, single submitter. Criteria: Invitae Variant Classification Sherloc (09022015). Collection method: clinical testing. Allele origin: germline.
Comment: This sequence change replaces glutamine, which is neutral and polar, with proline, which is neutral and non-polar, at codon 342 of the ACTN1 protein (p.Gln342Pro). This variant is not present in population databases (gnomAD no frequency). This variant has not been reported in the literature in individuals affected with ACTN1-related conditions. Invitae Evidence Modeling of protein sequence and biophysical properties (such as structural, functional, and spatial information, amino acid conservation, physicochemical variation, residue mobility, and thermodynamic stability) indicates that this missense variant is expected to disrupt ACTN1 protein function with a positive predictive value of 80%. In summary, the available evidence is currently insufficient to determine the role of this variant in disease. Therefore, it has been classified as a Variant of Uncertain Significance.